The following is an entry in ClinVar:

NM_182961.4(SYNE1):c.25014G>C (p.Leu8338=)

Gene: SYNE1 (spectrin repeat containing nuclear envelope protein 1; minus strand). Cytogenetic location: 6q25.2.
Variant type: single nucleotide variant.
Coding change: c.25014G>C on transcript NM_182961.4 (MANE Select); coding-DNA position 25014, G replaced by C.
Protein change: p.Leu8338=; no amino-acid change (leucine 8338 retained).
Molecular consequence: synonymous variant.
Genome position (GRCh38, 1-based): chr6:152,143,728, C>G on the plus strand (G>C on the coding strand, the complement: SYNE1 is on the minus strand). VCF-style: chr6-152143728-C-G. GRCh37 (hg19) VCF-style: chr6-152464863-C-G.
Other names: c.1620G>C, p.Leu540= (NM_001347701.2); c.1548G>C, p.Leu516= (NM_001347702.2); c.24870G>C, p.Leu8290= (NM_033071.5).
Identifiers: ClinVar variation 3033423 (VCV003033423.2), dbSNP rs772057505, ClinGen allele CA4052975.
Genomic context (GRCh38, chr6:152,143,728, plus strand): 5'-GCTGCGAATGATATTTTCGGTTTGCTGTATCTGAAAACGGCTATCATCCAGGGCTTTGCC[C>G]AGTTGTCGGATCTGTGACTCTAGGGCACTGTGGTCCCCTGCGGTGGCAACCATAAGAATC-3'
Protein context (NP_892006.3, residues 8328-8348): HSALESQIRQ[Leu8338=]GKALDDSRFQ

ClinVar aggregate classification (germline): Likely benign (0 of 4 stars; one submission).

Conditions:
SYNE1-related disorder. Also called: SYNE1-related disease; SYNE1-related condition; SYNE1-related disorders.

Allele frequency attached by ClinVar (database versions not stated): ExAC 0.00001; gnomAD 0.00001.
gnomAD v4.1: 42 of 1,614,082 alleles (0.0026%); highest among the groups gnomAD compares: Non-Finnish European, 0.0032%; no homozygotes.

Submission:

PreventionGenetics, part of Exact Sciences
Classification: Likely benign for SYNE1-related condition. Last evaluated: 2019-06-12. Review status: no assertion criteria provided. Collection method: clinical testing. Allele origin: germline.
Comment: This variant is classified as likely benign based on ACMG/AMP sequence variant interpretation guidelines (Richards et al. 2015 PMID: 25741868, with internal and published modifications).